The following is an entry in ClinVar:

NM_201384.3(PLEC):c.10020C>T (p.Asp3340=)

Gene: PLEC (plectin; minus strand). Cytogenetic location: 8q24.3.
Variant type: single nucleotide variant.
Coding change: c.10020C>T on transcript NM_201384.3 (MANE Select); coding-DNA position 10020, C replaced by T.
Protein change: p.Asp3340=; no amino-acid change (aspartic acid 3340 retained).
Molecular consequence: synonymous variant.
Genome position (GRCh38, 1-based): chr8:143,919,801, G>A on the plus strand (C>T on the coding strand, the complement: PLEC is on the minus strand). VCF-style: chr8-143919801-G-A. GRCh37 (hg19) VCF-style: chr8-144993969-G-A.
Other names: c.10101C>T, p.Asp3367= (NM_000445.5); c.9978C>T, p.Asp3326= (NM_201378.4); c.9954C>T, p.Asp3318= (NM_201379.3); c.10431C>T, p.Asp3477= (NM_201380.4); c.9924C>T, p.Asp3308= (NM_201381.3); c.10020C>T, p.Asp3340= (NM_201382.4); c.10032C>T, p.Asp3344= (NM_201383.3).
Identifiers: ClinVar variation 511863 (VCV000511863.15), dbSNP rs371577313, ClinGen allele CA4924787.

ClinVar aggregate classification (germline): Likely benign. Review status: criteria provided, multiple submitters, no conflicts (2 of 4 stars). 4 submissions from 4 submitters: Likely benign (3). 1 of the submissions does not count toward it. Last evaluated 2025-12-05.

Conditions:
PLEC-related disorder. Also called: PLEC-related disorders; PLEC-related condition.
Epidermolysis bullosa simplex, Ogna type (EBS5A). Also called: Pidermolysis bullosa simplex 5A, Ogna type; EPIDERMOLYSIS BULLOSA SIMPLEX 5A, OGNA TYPE. Identifiers: Orphanet 79401, MedGen C0432317, MONDO:0007555, OMIM 131950.
Epidermolysis bullosa simplex with nail dystrophy (EBS5D). Identifiers: MedGen C4225309, MONDO:0014661, OMIM 616487.
Epidermolysis bullosa simplex 5B, with muscular dystrophy (EBS5B). Also called: EPIDERMOLYSIS BULLOSA SIMPLEX AND LIMB-GIRDLE MUSCULAR DYSTROPHY; Epidermolysis bullosa simplex with muscular dystrophy. Identifiers: Orphanet 257, MedGen C2931072, MONDO:0009181, OMIM 226670.
Epidermolysis bullosa simplex 5C, with pyloric atresia (EBS5C). Also called: PLEC1-Related Epidermolysis Bullosa with Pyloric Atresia; Epidermolysis bullosa simplex with pyloric atresia; PLEC-Related Epidermolysis Bullosa with Pyloric Atresia. Identifiers: Orphanet 158684, MedGen C2677349, MONDO:0012807, OMIM 612138.
Autosomal recessive limb-girdle muscular dystrophy type 2Q (LGMDR17). Also called: MUSCULAR DYSTROPHY, LIMB-GIRDLE, AUTOSOMAL RECESSIVE 17. Identifiers: Orphanet 254361, MedGen C3150989, MONDO:0013390, OMIM 613723.

Allele frequency attached by ClinVar (database versions not stated): gnomAD exomes 0.00003; ExAC 0.00004; gnomAD 0.00004; TOPMed 0.00004; ESP Exome Variant Server 0.00016.
gnomAD v4.1: 85 of 1,612,860 alleles (0.0053%); highest among the groups gnomAD compares: Non-Finnish European, 0.0069%; no homozygotes.

Submissions (4):

Labcorp Genetics (formerly Invitae), Labcorp
Classification: Likely benign for Autosomal recessive limb-girdle muscular dystrophy type 2Q; Epidermolysis bullosa simplex, Ogna type; Epidermolysis bullosa simplex with nail dystrophy; Epidermolysis bullosa simplex 5C, with pyloric atresia; Epidermolysis bullosa simplex 5B, with muscular dystrophy. Last evaluated: 2025-12-05. Review status: criteria provided, single submitter. Criteria: Invitae Variant Classification Sherloc (09022015). Collection method: clinical testing. Allele origin: germline.

Blueprint Genetics
Classification: Likely benign. Last evaluated: 2024-07-08. Review status: criteria provided, single submitter. Criteria: ACMG Guidelines, 2015. Collection method: clinical testing. Allele origin: germline.

GeneDx
Classification: Likely benign. Last evaluated: 2017-09-01. Review status: criteria provided, single submitter. Criteria: GeneDx Variant Classification (06012015). Collection method: clinical testing. Allele origin: germline. Affected: yes.
Comment: This variant is considered likely benign or benign based on one or more of the following criteria: it is a conservative change, it occurs at a poorly conserved position in the protein, it is predicted to be benign by multiple in silico algorithms, and/or has population frequency not consistent with disease.

PreventionGenetics, part of Exact Sciences
Classification: Likely benign for PLEC-related condition. Last evaluated: 2023-05-24. Review status: no assertion criteria provided. Collection method: clinical testing. Allele origin: germline. Not counted in ClinVar's aggregate classification.
Comment: This variant is classified as likely benign based on ACMG/AMP sequence variant interpretation guidelines (Richards et al. 2015 PMID: 25741868, with internal and published modifications).